The following is an entry in ClinVar:

ClinVar aggregate classification (germline): Uncertain significance. Review status: criteria provided, multiple submitters, no conflicts (2 of 4 stars). 2 submissions from 2 submitters: Uncertain significance (2). Last evaluated 2025-11-10.

Conditions:
Inborn genetic diseases. Identifiers: MedGen C0950123, MeSH D030342.
Methylmalonic aciduria and homocystinuria type cblF. Also called: METHYLMALONIC ACIDEMIA AND HOMOCYSTINURIA, cblF TYPE; METHYLMALONIC ACIDURIA DUE TO VITAMIN B12-RELEASE DEFECT; VITAMIN B12 LYSOSOMAL RELEASE DEFECT; VITAMIN B12 STORAGE DISEASE; COBALAMIN F DISEASE; COBALAMIN, DEFECT IN LYSOSOMAL RELEASE OF. Identifiers: Orphanet 79284, MedGen C1848578, MONDO:0010183, OMIM 277380.

Allele frequency attached by ClinVar (database versions not stated): ExAC 0.00001; gnomAD exomes 0.00002.
gnomAD v4.1: 8 of 1,613,534 alleles (0.0005%); highest among the groups gnomAD compares: Middle Eastern, 0.017%; no homozygotes.

Submissions (2):

Labcorp Genetics (formerly Invitae), Labcorp
Classification: Uncertain significance for Methylmalonic aciduria and homocystinuria type cblF. Last evaluated: 2025-11-10. Review status: criteria provided, single submitter. Criteria: Invitae Variant Classification Sherloc (09022015). Collection method: clinical testing. Allele origin: germline.
Comment: This sequence change replaces leucine, which is neutral and non-polar, with valine, which is neutral and non-polar, at codon 63 of the LMBRD1 protein (p.Leu63Val). This variant is present in population databases (rs775365046, gnomAD 0.01%). This variant has not been reported in the literature in individuals affected with LMBRD1-related conditions. ClinVar contains an entry for this variant (Variation ID: 1055777). Invitae Evidence Modeling of protein sequence and biophysical properties (such as structural, functional, and spatial information, amino acid conservation, physicochemical variation, residue mobility, and thermodynamic stability) has been performed for this missense variant. However, the output from this modeling did not meet the statistical confidence thresholds required to predict the impact of this variant on LMBRD1 protein function. In summary, the available evidence is currently insufficient to determine the role of this variant in disease. Therefore, it has been classified as a Variant of Uncertain Significance.

Ambry Genetics
Classification: Uncertain significance for Inborn genetic diseases. Last evaluated: 2025-03-19. Review status: criteria provided, single submitter. Criteria: Ambry Variant Classification Scheme 2023. Collection method: clinical testing. Allele origin: germline.

NM_018368.4(LMBRD1):c.187C>G (p.Leu63Val)

Gene: LMBRD1 (LMBR1 domain containing 1; minus strand). Cytogenetic location: 6q13.
Variant type: single nucleotide variant.
Coding change: c.187C>G on transcript NM_018368.4 (MANE Select); coding-DNA position 187, C replaced by G.
Protein change: p.Leu63Val; replaces leucine 63 with valine.
Molecular consequence: missense variant. On other transcripts: 5 prime UTR variant (3).
Genome position (GRCh38, 1-based): chr6:69,790,355, G>C on the plus strand (C>G on the coding strand, the complement: LMBRD1 is on the minus strand). VCF-style: chr6-69790355-G-C. GRCh37 (hg19) VCF-style: chr6-70500247-G-C.
Other names: c.-33C>G (NM_001363722.2, NM_001367271.1, NM_001367272.1); c.187C>G (NM_018368.3); short protein forms L63V.
Identifiers: ClinVar variation 1055777 (VCV001055777.9), dbSNP rs775365046, ClinGen allele CA3879986.